The following is an entry in ClinVar:

NM_017654.4(SAMD9):c.4379T>C (p.Leu1460Pro)

Gene: SAMD9 (sterile alpha motif domain containing 9; minus strand). Cytogenetic location: 7q21.2.
Variant type: single nucleotide variant.
Coding change: c.4379T>C on transcript NM_017654.4 (MANE Select); coding-DNA position 4379, T replaced by C.
Protein change: p.Leu1460Pro; replaces leucine 1460 with proline.
Molecular consequence: missense variant.
Genome position (GRCh38, 1-based): chr7:93,101,719, A>G on the plus strand (T>C on the coding strand, the complement: SAMD9 is on the minus strand). VCF-style: chr7-93101719-A-G. GRCh37 (hg19) VCF-style: chr7-92731032-A-G.
Other names: c.4379T>C, p.Leu1460Pro (NM_001193307.2); short protein forms L1460P.
Identifiers: ClinVar variation 3792157 (VCV003792157.1).

ClinVar aggregate classification (germline): Uncertain significance (1 of 4 stars; one submission).

Conditions:
Inborn genetic diseases. Identifiers: MedGen C0950123, MeSH D030342.

gnomAD v4.1: 2 of 1,613,746 alleles (0.00012%); highest among the groups gnomAD compares: Non-Finnish European, 0.00017%; no homozygotes.

Submission:

Ambry Genetics
Classification: Uncertain significance for Inborn genetic diseases. Last evaluated: 2025-03-07. Review status: criteria provided, single submitter. Criteria: Ambry Variant Classification Scheme 2023. Collection method: clinical testing. Allele origin: germline.
Comment: The p.L1460P variant (also known as c.4379T>C), located in coding exon 1 of the SAMD9 gene, results from a T to C substitution at nucleotide position 4379. The leucine at codon 1460 is replaced by proline, an amino acid with similar properties. This amino acid position is conserved. In addition, this alteration is predicted to be tolerated by in silico analysis. Based on the available evidence, the clinical significance of this variant remains unclear.